The following is an entry in ClinVar:

NM_005430.4(WNT1):c.624+6C>G

Gene: WNT1 (Wnt family member 1; plus strand). Cytogenetic location: 12q13.12.
Variant type: single nucleotide variant.
Coding change: c.624+6C>G on transcript NM_005430.4 (MANE Select); 6 bases into the intron after coding-DNA position 624, C replaced by G.
Molecular consequence: intron variant.
Genome position (GRCh38, 1-based): chr12:48,980,695, C>G. VCF-style: chr12-48980695-C-G. GRCh37 (hg19) VCF-style: chr12-49374478-C-G.
Identifiers: ClinVar variation 2180500 (VCV002180500.5), dbSNP rs752323410, ClinGen allele CA6544431.

ClinVar aggregate classification (germline): Uncertain significance. Review status: criteria provided, multiple submitters, no conflicts (2 of 4 stars). 2 submissions from 2 submitters: Uncertain significance (2). Last evaluated 2026-03-18.

Allele frequency attached by ClinVar (database versions not stated): gnomAD exomes 0.00002; TOPMed 0.00002; gnomAD 0.00003; ExAC 0.00004.
gnomAD v4.1: 13 of 1,533,108 alleles (0.00085%); highest among the groups gnomAD compares: Admixed American, 0.025%; no homozygotes.

Submissions (2):

GeneDx
Classification: Uncertain significance. Last evaluated: 2026-03-18. Review status: criteria provided, single submitter. Criteria: GeneDx Variant Classification Process June 2021. Collection method: clinical testing. Allele origin: germline.
Comment: Has not been previously published as pathogenic or benign to our knowledge; In silico analysis suggests this variant may impact gene splicing. In the absence of RNA/functional studies, the actual effect of this sequence change is unknown.

Labcorp Genetics (formerly Invitae), Labcorp
Classification: Uncertain significance. Last evaluated: 2025-06-03. Review status: criteria provided, single submitter. Criteria: Invitae Variant Classification Sherloc (09022015). Collection method: clinical testing. Allele origin: germline.
Comment: This sequence change falls in intron 3 of the WNT1 gene. It does not directly change the encoded amino acid sequence of the WNT1 protein. It affects a nucleotide within the consensus splice site. This variant is present in population databases (rs752323410, gnomAD 0.03%). This variant has not been reported in the literature in individuals affected with WNT1-related conditions. ClinVar contains an entry for this variant (Variation ID: 2180500). Variants that disrupt the consensus splice site are a relatively common cause of aberrant splicing (PMID: 17576681, 9536098). Algorithms developed to predict the effect of sequence changes on RNA splicing suggest that this variant is not likely to affect RNA splicing. In summary, the available evidence is currently insufficient to determine the role of this variant in disease. Therefore, it has been classified as a Variant of Uncertain Significance.

Literature cited by the submitters: PubMed 17576681 (cited by Labcorp Genetics (formerly Invitae), Labcorp); PubMed 9536098 (cited by Labcorp Genetics (formerly Invitae), Labcorp).